The following is an entry in ClinVar:

ClinVar aggregate classification (germline): Uncertain significance. Review status: criteria provided, single submitter (1 of 4 stars). 2 submissions from 2 submitters: Uncertain significance (1). 1 of the submissions does not count toward it. Last evaluated 2023-12-11.

Conditions:
Leukocyte adhesion deficiency 3. Also called: INTEGRIN ACTIVATION DEFICIENCY DISEASE; LEUKOCYTE ADHESION DEFICIENCY 1 VARIANT; Leukocyte adhesion deficiency, type III. Identifiers: Orphanet 2968, Orphanet 99844, MedGen C2748536, MONDO:0013016, OMIM 612840.

Allele frequency attached by ClinVar (database versions not stated): gnomAD exomes 0.00001 and 0.00002; ExAC 0.00002; gnomAD 0.00008 and 0.00009; TOPMed 0.00011; ESP Exome Variant Server 0.00023.
gnomAD v4.1: 26 of 1,614,028 alleles (0.0016%); highest among the groups gnomAD compares: African/African-American, 0.035%; no homozygotes.

Submissions (2):

Labcorp Genetics (formerly Invitae), Labcorp
Classification: Uncertain significance for Leukocyte adhesion deficiency 3. Last evaluated: 2023-12-11. Review status: criteria provided, single submitter. Criteria: Invitae Variant Classification Sherloc (09022015). Collection method: clinical testing. Allele origin: germline.
Comment: This sequence change replaces alanine, which is neutral and non-polar, with valine, which is neutral and non-polar, at codon 29 of the FERMT3 protein (p.Ala29Val). This variant is present in population databases (rs144256756, gnomAD 0.02%). This variant has not been reported in the literature in individuals affected with FERMT3-related conditions. ClinVar contains an entry for this variant (Variation ID: 417964). An algorithm developed to predict the effect of missense changes on protein structure and function (PolyPhen-2) suggests that this variant¬†is likely to be tolerated. In summary, the available evidence is currently insufficient to determine the role of this variant in disease. Therefore, it has been classified as a Variant of Uncertain Significance.

Division of Human Genetics, Children's Hospital of Philadelphia
Classification: Uncertain significance for Leukocyte adhesion deficiency 3. Last evaluated: 2016-08-06. Review status: no assertion criteria provided. Collection method: research. Allele origin: paternal. Affected: yes. Study: CSER-PediSeq. Not counted in ClinVar's aggregate classification.

NM_031471.6(FERMT3):c.86C>T (p.Ala29Val)

Gene: FERMT3 (FERM domain containing kindlin 3; plus strand). Cytogenetic location: 11q13.1.
Variant type: single nucleotide variant.
Coding change: c.86C>T on transcript NM_031471.6 (MANE Select); coding-DNA position 86, C replaced by T.
Protein change: p.Ala29Val; replaces alanine 29 with valine.
Molecular consequence: missense variant.
Genome position (GRCh38, 1-based): chr11:64,207,450, C>T. VCF-style: chr11-64207450-C-T. GRCh37 (hg19) VCF-style: chr11-63974922-C-T.
Other names: c.86C>T, p.Ala29Val (NM_001382361.1, NM_001382362.1, NM_001382448.1 and 1 more transcripts); short protein forms A29V.
Identifiers: ClinVar variation 417964 (VCV000417964.8), dbSNP rs144256756, ClinGen allele CA6068626.
Genomic context (GRCh38, chr11:64,207,450, plus strand): 5'-GGGACTACATCGACTCGTCATGGGAGCTGCGGGTGTTTGTGGGAGAGGAGGACCCAGAGG[C>T]CGAGTCGGTCACCCTGCGGGTCACTGGGGAGTCGCACATCGGCGGGGTGCTCCTGAAGAT-3'
Protein context (NP_113659.3, residues 19-39): RVFVGEEDPE[Ala29Val]ESVTLRVTGE